The following is an entry in ClinVar:

ClinVar aggregate classification (germline): Uncertain significance (1 of 4 stars; one submission).

Conditions:
Angelman syndrome (AS). Also called: HAPPY PUPPET SYNDROME. Identifiers: Orphanet 72, MedGen C0162635, MONDO:0007113, OMIM 105830. Disease mechanism: loss of function. Inheritance: AS is caused by disruption of maternally imprinted UBE3A located within the 15q11.2-q13 Angelman syndrome/Prader-Willi syndrome (AS/PWS) region., imprinting disorder.

Allele frequency attached by ClinVar (database versions not stated): TOPMed below 0.00001.
gnomAD v4.1: 1 of 1,612,528 alleles (0.000062%); no homozygotes.

Submission:

Labcorp Genetics (formerly Invitae), Labcorp
Classification: Uncertain significance for Angelman syndrome. Last evaluated: 2022-09-17. Review status: criteria provided, single submitter. Criteria: Invitae Variant Classification Sherloc (09022015). Collection method: clinical testing. Allele origin: germline.
Comment: This variant has not been reported in the literature in individuals affected with UBE3A-related conditions. In summary, the available evidence is currently insufficient to determine the role of this variant in disease. Therefore, it has been classified as a Variant of Uncertain Significance. Variants that disrupt the consensus splice site are a relatively common cause of aberrant splicing (PMID: 17576681, 9536098). Algorithms developed to predict the effect of sequence changes on RNA splicing suggest that this variant is not likely to affect RNA splicing. ClinVar contains an entry for this variant (Variation ID: 1461005). This variant is not present in population databases (gnomAD no frequency). This sequence change falls in intron 8 of the UBE3A gene. It does not directly change the encoded amino acid sequence of the UBE3A protein. It affects a nucleotide within the consensus splice site.

Literature cited by the submitters: PubMed 17576681; PubMed 9536098.

NM_130839.5(UBE3A):c.2354+6G>A

Genes: SNHG14 (small nucleolar RNA host gene 14; plus strand), UBE3A (ubiquitin protein ligase E3A; minus strand). Cytogenetic location: 15q11.2.
Variant type: single nucleotide variant.
Coding change: c.2354+6G>A on transcript NM_130839.5 (MANE Select); 6 bases into the intron after coding-DNA position 2354, G replaced by A.
Molecular consequence: intron variant.
Genome position (GRCh38, 1-based): chr15:25,354,347, C>T on the plus strand (G>A on the coding strand, the complement: UBE3A is on the minus strand). VCF-style: chr15-25354347-C-T. GRCh37 (hg19) VCF-style: chr15-25599494-C-T.
Other names: c.2177+6G>A (NM_001354546.2); c.1043+6G>A (NM_001354551.2); c.2129+6G>A (NM_001354549.2); c.2138+6G>A (NM_001354548.2, NM_001354547.2); c.2294+6G>A (NM_130838.4, NM_001354542.2, NM_001354523.2 and 14 more transcripts); c.1103+6G>A (NM_001354550.2); c.2198+6G>A (NM_001354545.2); c.2354+6G>A (NM_001354538.2, NM_001354505.1); and 1 more.
Identifiers: ClinVar variation 1461005 (VCV001461005.6), dbSNP rs771697024, ClinGen allele CA2165201202.